The following is an entry in ClinVar:

NM_002471.4(MYH6):c.5500C>T (p.Arg1834Cys)

Gene: MYH6 (myosin heavy chain 6; minus strand). Cytogenetic location: 14q11.2.
Variant type: single nucleotide variant.
Coding change: c.5500C>T on transcript NM_002471.4 (MANE Select); coding-DNA position 5500, C replaced by T.
Protein change: p.Arg1834Cys; replaces arginine 1834 with cysteine.
Molecular consequence: missense variant.
Genome position (GRCh38, 1-based): chr14:23,384,507, G>A on the plus strand (C>T on the coding strand, the complement: MYH6 is on the minus strand). VCF-style: chr14-23384507-G-A. GRCh37 (hg19) VCF-style: chr14-23853716-G-A.
Other names: short protein forms R1834C.
Identifiers: ClinVar variation 312842 (VCV000312842.16), dbSNP rs137923514, ClinGen allele CA10645036.
Genomic context (GRCh38, chr14:23,384,507, plus strand): 5'-AGGTGAGCTCCTTGATGCGCCGCTCGCTCTTCCTCATGCCCTTCACCGACTCTGCGTTGC[G>A]CTTCTGCTCGGCCTCCAGCTCACCCTCCAGCTCCCGCACCCGCGCTTCCAGCTTCTGCAG-3'
Protein context (NP_002462.2, residues 1824-1844): LEGELEAEQK[Arg1834Cys]NAESVKGMRK

ClinVar aggregate classification (germline): Uncertain significance. Review status: criteria provided, multiple submitters, no conflicts (2 of 4 stars). 5 submissions from 5 submitters: Uncertain significance (5). Last evaluated 2026-07-19.

Conditions:
MYH6-related disorder. Also called: MYH6-Related Disorders; MYH6-related condition.
Cardiovascular phenotype. Identifiers: MedGen CN230736.
Hypertrophic cardiomyopathy 14. Identifiers: MedGen C2750467, MONDO:0013197, OMIM 613251.

Allele frequency attached by ClinVar (database versions not stated): gnomAD exomes below 0.00001; TOPMed 0.00001; gnomAD 0.00002; ESP Exome Variant Server 0.00008.
gnomAD v4.1: 21 of 1,613,044 alleles (0.0013%); highest among the groups gnomAD compares: East Asian, 0.0022%; no homozygotes.

Submissions (5):

PreventionGenetics, part of Exact Sciences
Classification: Uncertain significance for MYH6-related condition. Last evaluated: 2026-07-19. Review status: criteria provided, single submitter. Criteria: ACMG Guidelines, 2015. Collection method: clinical testing. Allele origin: germline.
Comment: The MYH6 c.5500C>T variant is predicted to result in the amino acid substitution p.Arg1834Cys. This variant has been reported as a variant of uncertain significance in an individual with hypertrophic cardiomyopathy; however, this individual also carried a pathogenic MYBPC3 variant which could explain the clinical features (O'Hare et al. 2020. PubMed ID: 33190526). This variant is reported in 0.00088% of alleles in individuals of European (Non-Finnish) descent in gnomAD. At this time, the clinical significance of this variant is uncertain due to the absence of conclusive functional and genetic evidence.

Labcorp Genetics (formerly Invitae), Labcorp
Classification: Uncertain significance for Hypertrophic cardiomyopathy 14. Last evaluated: 2025-11-23. Review status: criteria provided, single submitter. Criteria: Invitae Variant Classification Sherloc (09022015). Collection method: clinical testing. Allele origin: germline.
Comment: This sequence change replaces arginine, which is basic and polar, with cysteine, which is neutral and slightly polar, at codon 1834 of the MYH6 protein (p.Arg1834Cys). This variant is present in population databases (rs137923514, gnomAD 0.0009%). This missense change has been observed in individual(s) with hypertrophic cardiomyopathy (PMID: 33190526). ClinVar contains an entry for this variant (Variation ID: 312842). Invitae Evidence Modeling of protein sequence and biophysical properties (such as structural, functional, and spatial information, amino acid conservation, physicochemical variation, residue mobility, and thermodynamic stability) indicates that this missense variant is expected to disrupt MYH6 protein function with a positive predictive value of 80%. In summary, the available evidence is currently insufficient to determine the role of this variant in disease. Therefore, it has been classified as a Variant of Uncertain Significance.

Ambry Genetics
Classification: Uncertain significance for Cardiovascular phenotype. Last evaluated: 2024-02-12. Review status: criteria provided, single submitter. Criteria: Ambry Variant Classification Scheme 2023. Collection method: clinical testing. Allele origin: germline.
Comment: The p.R1834C variant (also known as c.5500C>T), located in coding exon 34 of the MYH6 gene, results from a C to T substitution at nucleotide position 5500. The arginine at codon 1834 is replaced by cysteine, an amino acid with highly dissimilar properties. This alteration has been reported in a hypertrophic cardiomyopathy (HCM) cohort (O'Hare BJ et al. Circ Genom Precis Med, 2020 Dec;13:e003013). This amino acid position is not well conserved in available vertebrate species. In addition, the in silico prediction for this alteration is inconclusive. Based on the available evidence, the clinical significance of this alteration remains unclear.

GeneDx
Classification: Uncertain significance. Last evaluated: 2020-07-20. Review status: criteria provided, single submitter. Criteria: GeneDx Variant Classification Process June 2021. Collection method: clinical testing. Allele origin: germline. Affected: yes.
Comment: Has not been previously published as pathogenic or benign to our knowledge; Reported in ClinVar as a variant of uncertain significance (ClinVar Variant ID# 312842; Landrum et al., 2016); Not observed at a significant frequency in large population cohorts (Lek et al., 2016); In silico analysis, which includes protein predictors and evolutionary conservation, supports a deleterious effect

Blueprint Genetics
Classification: Uncertain significance. Last evaluated: 2019-10-09. Review status: criteria provided, single submitter. Criteria: ACMG Guidelines, 2015. Collection method: clinical testing. Allele origin: germline.

Literature cited by the submitters: PubMed 33190526 (cited by Labcorp Genetics (formerly Invitae), Labcorp and Ambry Genetics).